The following is an entry in ClinVar:

ClinVar aggregate classification (germline): Pathogenic (1 of 4 stars; one submission).

Conditions:
Hereditary cancer-predisposing syndrome. Also called: Neoplastic Syndromes, Hereditary; Tumor predisposition; Hereditary Cancer Syndrome; Hereditary neoplastic syndrome. Identifiers: Orphanet 140162, MedGen C0027672, MeSH D009386, MONDO:0015356.

Submission:

Ambry Genetics
Classification: Pathogenic for Hereditary cancer-predisposing syndrome. Last evaluated: 2025-12-23. Review status: criteria provided, single submitter. Criteria: Ambry Variant Classification Scheme 2023. Collection method: clinical testing. Allele origin: germline.
Comment: The c.1212delA pathogenic mutation, located in coding exon 8 of the BRIP1 gene, results from a deletion of one nucleotide at nucleotide position 1212, causing a translational frameshift with a predicted alternate stop codon (p.E404Dfs*7). This variant is considered to be rare based on population cohorts in the Genome Aggregation Database (gnomAD). This alteration is expected to result in loss of function by premature protein truncation or nonsense-mediated mRNA decay. As such, this alteration is interpreted as a disease-causing mutation.

NM_032043.3(BRIP1):c.1212del (p.Glu404fs)

Gene: BRIP1 (BRCA1 interacting DNA helicase 1; minus strand). Cytogenetic location: 17q23.2.
Variant type: Deletion.
Coding change: c.1212del on transcript NM_032043.3 (MANE Select); coding-DNA position 1212, one base deleted (A; older notation c.1212delA).
Protein change: p.Glu404fs; shifts the reading frame from glutamic acid 404.
Molecular consequence: frameshift variant.
Genome position (GRCh38, 1-based): chr17:61,799,228, T deleted on the plus strand (A on the coding strand, the reverse complement: BRIP1 is on the minus strand); the first of 2 consecutive T bases (chr17:61,799,228-61,799,229); deleting either gives the same sequence. VCF-style (leftmost placement, unchanged base first): chr17-61799227-AT-A. GRCh37 (hg19) VCF-style: chr17-59876588-AT-A.
Other names: c.1212delA (NM_032043.2); short protein forms E404fs.
Identifiers: ClinVar variation 4842393 (VCV004842393.1).